The following is an entry in ClinVar:

ClinVar aggregate classification (germline): Uncertain significance (1 of 4 stars; one submission).

Conditions:
DICER1-related tumor predisposition. Also called: DICER1 syndrome; DICER1-related pleuropulmonary blastoma cancer predisposition syndrome. Identifiers: Orphanet 284343, MedGen C3839822, MONDO:0100216.

Allele frequency attached by ClinVar (database versions not stated): gnomAD exomes below 0.00001.
gnomAD v4.1: 1 of 1,612,576 alleles (0.000062%); highest among the groups gnomAD compares: Non-Finnish European, 0.000085%; no homozygotes.

Submission:

Labcorp Genetics (formerly Invitae), Labcorp
Classification: Uncertain significance for DICER1-related tumor predisposition. Last evaluated: 2025-07-30. Review status: criteria provided, single submitter. Criteria: Invitae Variant Classification Sherloc (09022015). Collection method: clinical testing. Allele origin: germline.
Comment: This sequence change replaces cysteine, which is neutral and slightly polar, with tyrosine, which is neutral and polar, at codon 199 of the DICER1 protein (p.Cys199Tyr). This variant is not present in population databases (gnomAD no frequency). This variant has not been reported in the literature in individuals affected with DICER1-related conditions. ClinVar contains an entry for this variant (Variation ID: 2746565). Invitae Evidence Modeling of protein sequence and biophysical properties (such as structural, functional, and spatial information, amino acid conservation, physicochemical variation, residue mobility, and thermodynamic stability) indicates that this missense variant is not expected to disrupt DICER1 protein function with a negative predictive value of 95%. In summary, the available evidence is currently insufficient to determine the role of this variant in disease. Therefore, it has been classified as a Variant of Uncertain Significance.

NM_177438.3(DICER1):c.596G>A (p.Cys199Tyr)

Gene: DICER1 (dicer 1, ribonuclease III; minus strand). Cytogenetic location: 14q32.13.
Variant type: single nucleotide variant.
Coding change: c.596G>A on transcript NM_177438.3 (MANE Select); coding-DNA position 596, G replaced by A.
Protein change: p.Cys199Tyr; replaces cysteine 199 with tyrosine.
Molecular consequence: missense variant. On other transcripts: non-coding transcript variant (6), 5 prime UTR variant (1).
Genome position (GRCh38, 1-based): chr14:95,129,610, C>T on the plus strand (G>A on the coding strand, the complement: DICER1 is on the minus strand). VCF-style: chr14-95129610-C-T. GRCh37 (hg19) VCF-style: chr14-95595947-C-T.
Other names: c.596G>A, p.Cys199Tyr (NM_001395684.1, NM_001395692.1, NM_001395693.1 and 15 more transcripts); c.314G>A, p.Cys105Tyr (NM_001395686.1); c.191G>A, p.Cys64Tyr (NM_001395687.1, NM_001395688.1, NM_001395689.1 and 3 more transcripts); c.29G>A, p.Cys10Tyr (NM_001395691.1); c.-973G>A (NM_001395697.1); short protein forms C105Y, C199Y, C64Y, C10Y.
Identifiers: ClinVar variation 2746565 (VCV002746565.3), dbSNP rs2543284540, ClinGen allele CA390888262.